The following is an entry in ClinVar:

NM_004544.4(NDUFA10):c.749+15C>T

Gene: NDUFA10 (NADH:ubiquinone oxidoreductase subunit A10; minus strand). Cytogenetic location: 2q37.3.
Variant type: single nucleotide variant.
Coding change: c.749+15C>T on transcript NM_004544.4 (MANE Select); 15 bases into the intron after coding-DNA position 749, C replaced by T.
Molecular consequence: intron variant.
Genome position (GRCh38, 1-based): chr2:240,011,602, G>A on the plus strand (C>T on the coding strand, the complement: NDUFA10 is on the minus strand). VCF-style: chr2-240011602-G-A. GRCh37 (hg19) VCF-style: chr2-240951019-G-A.
Other names: c.749+15C>T (NM_001322020.2, NM_001322019.2).
Identifiers: ClinVar variation 512918 (VCV000512918.1), dbSNP rs369729748, ClinGen allele CA2200878.

ClinVar aggregate classification (germline): Likely benign (1 of 4 stars; one submission).

Allele frequency attached by ClinVar (database versions not stated): ExAC 0.00006; gnomAD exomes 0.00006; TOPMed 0.00008; gnomAD 0.00009; ESP Exome Variant Server 0.00015.
gnomAD v4.1: 89 of 1,595,888 alleles (0.0056%); highest among the groups gnomAD compares: East Asian, 0.0089%; no homozygotes.

Submission:

GeneDx
Classification: Likely benign. Last evaluated: 2017-11-09. Review status: criteria provided, single submitter. Criteria: GeneDx Variant Classification (06012015). Collection method: clinical testing. Allele origin: germline. Affected: yes.
Comment: This variant is considered likely benign or benign based on one or more of the following criteria: it is a conservative change, it occurs at a poorly conserved position in the protein, it is predicted to be benign by multiple in silico algorithms, and/or has population frequency not consistent with disease.